The following is an entry in ClinVar:

ClinVar aggregate classification (germline): Pathogenic/Likely pathogenic. Review status: criteria provided, multiple submitters, no conflicts (2 of 4 stars). 2 submissions from 2 submitters: Pathogenic (1); Likely pathogenic (1). Last evaluated 2024-01-18.

Conditions:
Deficiency of steroid 11-beta-monooxygenase (CYP11B1). Also called: P450C11B1 DEFICIENCY; ADRENAL HYPERPLASIA IV; STEROID 11-BETA-HYDROXYLASE DEFICIENCY; Congenital adrenal hyperplasia due to 11-beta-hydroxylase deficiency; ADRENAL HYPERPLASIA, CONGENITAL, DUE TO STEROID 11-BETA-HYDROXYLASE DEFICIENCY; 11-BETA-HYDROXYLASE DEFICIENCY. Identifiers: Orphanet 90795, MedGen C0268292, MONDO:0008729, OMIM 202010. Disease mechanism: loss of function.

Submissions (2):

Baylor Genetics
Classification: Likely pathogenic for Deficiency of steroid 11-beta-monooxygenase. Last evaluated: 2024-01-18. Review status: criteria provided, single submitter. Criteria: ACMG Guidelines, 2015. Collection method: clinical testing. Allele origin: unknown.

Labcorp Genetics (formerly Invitae), Labcorp
Classification: Pathogenic. Last evaluated: 2022-05-29. Review status: criteria provided, single submitter. Criteria: Invitae Variant Classification Sherloc (09022015). Collection method: clinical testing. Allele origin: germline.
Comment: This sequence change creates a premature translational stop signal (p.Gln285Leufs*46) in the CYP11B1 gene. It is expected to result in an absent or disrupted protein product. Loss-of-function variants in CYP11B1 are known to be pathogenic (PMID: 8506298, 26476331). This variant is not present in population databases (gnomAD no frequency). This variant has not been reported in the literature in individuals affected with CYP11B1-related conditions. ClinVar contains an entry for this variant (Variation ID: 1460229). For these reasons, this variant has been classified as Pathogenic.

Literature cited by the submitters: PubMed 8506298 (cited by Labcorp Genetics (formerly Invitae), Labcorp); PubMed 26476331 (cited by Labcorp Genetics (formerly Invitae), Labcorp).

NM_000497.4(CYP11B1):c.853_854insTACT (p.Gln285fs)

Genes: CYP11B1 (cytochrome P450 family 11 subfamily B member 1; minus strand), LOC106799833 (CYP11B1 recombination region; plus strand). Cytogenetic location: 8q24.3.
Variant type: Insertion.
Coding change: c.853_854insTACT on transcript NM_000497.4 (MANE Select); coding-DNA positions 853 to 854, TACT inserted.
Protein change: p.Gln285fs; shifts the reading frame from glutamine 285.
Molecular consequence: frameshift variant.
Genome position: GRCh38 VCF-style: chr8-142876341-T-TAGTA. GRCh37 (hg19) VCF-style: chr8-143957757-T-TAGTA.
Other names: c.853_854insTACT, p.Gln285fs (NM_001026213.1); short protein forms Q285fs.
Identifiers: ClinVar variation 1460229 (VCV001460229.8), dbSNP rs2130273520, ClinGen allele CA2573142961.